The following is an entry in ClinVar:

NM_001365951.3(KIF1B):c.2287C>T (p.Arg763Trp)

Gene: KIF1B (kinesin family member 1B; plus strand). Cytogenetic location: 1p36.22.
Variant type: single nucleotide variant.
Coding change: c.2287C>T on transcript NM_001365951.3 (MANE Select); coding-DNA position 2287, C replaced by T.
Protein change: p.Arg763Trp; replaces arginine 763 with tryptophan.
Molecular consequence: missense variant.
Genome position (GRCh38, 1-based): chr1:10,321,786, C>T. VCF-style: chr1-10321786-C-T. GRCh37 (hg19) VCF-style: chr1-10381844-C-T.
Other names: c.2287C>T, p.Arg763Trp (NM_001365952.1); c.2149C>T, p.Arg717Trp (NM_015074.3); short protein forms R763W, R717W.
Identifiers: ClinVar variation 1786691 (VCV001786691.2), dbSNP rs2521607256, ClinGen allele CA338332901.

ClinVar aggregate classification (germline): Uncertain significance (1 of 4 stars; one submission).

gnomAD v4.1: 1 of 1,614,116 alleles (0.000062%); no homozygotes.

Submission:

Ambry Genetics
Classification: Uncertain significance. Last evaluated: 2022-09-08. Review status: criteria provided, single submitter. Criteria: Ambry Variant Classification Scheme 2023. Collection method: clinical testing. Allele origin: germline.
Comment: The p.R717W variant (also known as c.2149C>T), located in coding exon 21 of the KIF1B gene, results from a C to T substitution at nucleotide position 2149. The arginine at codon 717 is replaced by tryptophan, an amino acid with dissimilar properties. This amino acid position is conserved. In addition, this alteration is predicted to be deleterious by in silico analysis. Since supporting evidence is limited at this time, the clinical significance of this alteration remains unclear.